The following is an entry in ClinVar:

NM_001009944.3(PKD1):c.1827G>A (p.Val609=)

Gene: PKD1 (polycystin 1, transient receptor potential channel interacting; minus strand). Cytogenetic location: 16p13.3.
Variant type: single nucleotide variant.
Coding change: c.1827G>A on transcript NM_001009944.3 (MANE Select); coding-DNA position 1827, G replaced by A.
Protein change: p.Val609=; no amino-acid change (valine 609 retained).
Molecular consequence: synonymous variant.
Genome position (GRCh38, 1-based): chr16:2,116,014, C>T on the plus strand (G>A on the coding strand, the complement: PKD1 is on the minus strand). VCF-style: chr16-2116014-C-T. GRCh37 (hg19) VCF-style: chr16-2166015-C-T.
Other names: c.1827G>A, p.Val609= (NM_000296.4); c.1827G>A (NM_001009944.2, NM_000296.3).
Identifiers: ClinVar variation 446474 (VCV000446474.7), dbSNP rs905577227, ClinGen allele CA492975189.
Genomic context (GRCh38, chr16:2,116,014, plus strand): 5'-GGCGCCCACCACCCACCACCCACCACCCAGAGTCCCACCTGCTGTGCTGAGGAGCCGGTA[C>T]ACCTGCAGCCGCAGCTGGGCGGGCCGCCGGAGCTCCTGGGTCCCAAATTCGGCCGTGGTG-3'
Protein context (NP_001009944.3, residues 599-619): LRRPAQLRLQ[Val609=]YRLLSTAGTP

ClinVar aggregate classification (germline): Conflicting classifications of pathogenicity. Review status: criteria provided, conflicting classifications (1 of 4 stars). 6 submissions from 6 submitters: Likely pathogenic (1); Uncertain significance (4). 1 of the submissions does not count toward it. Last evaluated 2025-10-10.

Conditions:
Polycystic kidney disease, adult type (PKD1). Also called: POLYCYSTIC KIDNEY DISEASE, ADULT, TYPE I; Polycystic Kidney Disease 1, Autosomal Dominant; Polycystic kidney disease 1; Polycystic kidney disease 1, severe; Polycystic Kidney, Autosomal Dominant; POLYCYSTIC KIDNEY DISEASE 1 WITH OR WITHOUT POLYCYSTIC LIVER DISEASE. Identifiers: MedGen C3149841, MONDO:0008263, OMIM 173900.
Polycystic kidney disease. Also called: Kidney, Polycystic; Polycystic kidney dysplasia. Identifiers: MedGen C0022680, MeSH D007690, MONDO:0020642, HP:0000113.
Inborn genetic diseases. Identifiers: MedGen C0950123, MeSH D030342.

Submissions (6):

Ambry Genetics
Classification: Likely pathogenic for Inborn genetic diseases. Last evaluated: 2025-10-10. Review status: criteria provided, single submitter. Criteria: Ambry Variant Classification Scheme 2023. Collection method: clinical testing. Allele origin: germline.
Comment: The c.1827G>A (p.V609V) alteration is located in exon 9 (coding exon 9) of the PKD1 gene. This alteration consists of a G to A substitution at nucleotide position 1827. This nucleotide substitution does not change the amino acid at codon 609. This variant was not reported in population-based cohorts in the Genome Aggregation Database (gnomAD). This variant was reported in individual(s) with features consistent with polycystic kidney disease (Heyer, 2016; Ambry internal data). This nucleotide position is well conserved in available vertebrate species. In silico splice site analysis predicts that this alteration will result in the creation or strengthening of a novel splice donor site. Based on the available evidence, this alteration is classified as likely pathogenic.

GeneDx
Classification: Uncertain significance. Last evaluated: 2025-04-29. Review status: criteria provided, single submitter. Criteria: GeneDx Variant Classification Process June 2021. Collection method: clinical testing. Allele origin: germline. Affected: yes.
Comment: Not observed at significant frequency in large population cohorts (gnomAD); In silico analysis supports a deleterious effect on splicing; Has not been previously published as pathogenic or benign to our knowledge

Department of Pathology and Laboratory Medicine, Sinai Health System
Classification: Uncertain significance for Polycystic kidney disease, adult type. Last evaluated: 2023-04-27. Review status: criteria provided, single submitter. Criteria: ACMG Guidelines, 2015. Collection method: clinical testing. Allele origin: germline. Affected: yes.

Blueprint Genetics
Classification: Uncertain significance. Last evaluated: 2020-01-02. Review status: criteria provided, single submitter. Criteria: ACMG Guidelines, 2015. Collection method: clinical testing. Allele origin: germline.

Juno Genomics, Hangzhou Juno Genomics, Inc
Classification: Uncertain significance for Polycystic kidney disease, adult type. Review status: criteria provided, single submitter. Criteria: ACMG Guidelines, 2015. Collection method: clinical testing. Allele origin: germline. Affected: yes.
Comment: Absent from controls (or at extremely low frequency if recessive) in Genome Aggregation Database, Exome Sequencing Project, 1000 Genomes Project, or Exome Aggregation Consortium.;Multiple lines of computational evidence support a deleterious effect on the gene or gene product (conservation, evolutionary, splicing impact, etc).;Patient's phenotype or family history is highly specific for a disease with a single genetic etiology.

Institute of Human Genetics, University of Wuerzburg
Classification: Uncertain significance for Polycystic kidney disease. Review status: no assertion criteria provided. Collection method: clinical testing. Allele origin: unknown. Not counted in ClinVar's aggregate classification.

Literature cited by the submitters: PubMed 26823553 (cited by Ambry Genetics).